The following is an entry in ClinVar:

NM_014889.4(PITRM1):c.533+7C>T

Gene: PITRM1 (pitrilysin metallopeptidase 1; minus strand). Cytogenetic location: 10p15.2.
Variant type: single nucleotide variant.
Coding change: c.533+7C>T on transcript NM_014889.4 (MANE Select); 7 bases into the intron after coding-DNA position 533, C replaced by T.
Molecular consequence: intron variant.
Genome position (GRCh38, 1-based): chr10:3,165,406, G>A on the plus strand (C>T on the coding strand, the complement: PITRM1 is on the minus strand). VCF-style: chr10-3165406-G-A. GRCh37 (hg19) VCF-style: chr10-3207598-G-A.
Other names: c.533+7C>T (NM_001242307.1, NM_001347725.2, NM_001242307.2); c.509+7C>T (NM_001347730.1, NM_001347729.1); c.437+7C>T (NM_001242309.1); c.-83+7C>T (NM_001347726.2, NM_001347727.2); c.-768+7C>T (NM_001347728.2).
Identifiers: ClinVar variation 2195673 (VCV002195673.9), dbSNP rs192085127, ClinGen allele CA5388179.

ClinVar aggregate classification (germline): Benign/Likely benign. Review status: criteria provided, multiple submitters, no conflicts (2 of 4 stars). 4 submissions from 4 submitters: Benign (1); Likely benign (2). 1 of the submissions does not count toward it. Last evaluated 2026-06-01.

Conditions:
PITRM1-related disorder. Also called: PITRM1-related condition.

Allele frequency attached by ClinVar (database versions not stated): 1000 Genomes Project 30x 0.00016; 1000 Genomes Project 0.00020; TOPMed 0.00020; gnomAD exomes 0.00022; gnomAD 0.00023; ESP Exome Variant Server 0.00041; ExAC 0.00047.
gnomAD v4.1: 353 of 1,609,570 alleles (0.022%); highest among the groups gnomAD compares: Middle Eastern, 0.033%; 2 homozygotes.

Submissions (4):

CeGaT Center for Human Genetics Tuebingen
Classification: Likely benign. Last evaluated: 2026-06-01. Review status: criteria provided, single submitter. Criteria: CeGaT Center For Human Genetics Tuebingen Variant Classification Criteria Version 2. Collection method: clinical testing. Allele origin: germline. Affected: yes. Observed: 1 variant allele.
Comment: PITRM1: BP4

Labcorp Genetics (formerly Invitae), Labcorp
Classification: Benign. Last evaluated: 2025-10-27. Review status: criteria provided, single submitter. Criteria: Invitae Variant Classification Sherloc (09022015). Collection method: clinical testing. Allele origin: germline.

Blueprint Genetics
Classification: Likely benign. Last evaluated: 2024-10-14. Review status: criteria provided, single submitter. Criteria: ACMG Guidelines, 2015. Collection method: clinical testing. Allele origin: germline.

PreventionGenetics, part of Exact Sciences
Classification: Likely benign for PITRM1-related condition. Last evaluated: 2019-12-02. Review status: no assertion criteria provided. Collection method: clinical testing. Allele origin: germline. Not counted in ClinVar's aggregate classification.
Comment: This variant is classified as likely benign based on ACMG/AMP sequence variant interpretation guidelines (Richards et al. 2015 PMID: 25741868, with internal and published modifications).